The following is an entry in ClinVar:

ClinVar aggregate classification (germline): Pathogenic (1 of 4 stars; one submission).

Conditions:
Ataxia-telangiectasia syndrome (AT). Also called: LOUIS-BAR SYNDROME; Cerebello-oculocutaneous telangiectasia; Immunodeficiency with ataxia telangiectasia; Ataxia telangiectasia (A-T); Ataxia-telangiectasia, complementation group D; AT, COMPLEMENTATION GROUP C. Identifiers: Orphanet 100, MedGen C0004135, MONDO:0008840, OMIM 208900.

Submission:

Labcorp Genetics (formerly Invitae), Labcorp
Classification: Pathogenic for Ataxia-telangiectasia syndrome. Last evaluated: 2023-01-17. Review status: criteria provided, single submitter. Criteria: Invitae Variant Classification Sherloc (09022015). Collection method: clinical testing. Allele origin: germline.
Comment: Algorithms developed to predict the effect of sequence changes on RNA splicing suggest that this variant may disrupt the consensus splice site. For these reasons, this variant has been classified as Pathogenic. This variant has not been reported in the literature in individuals affected with ATM-related conditions. This variant is not present in population databases (gnomAD no frequency). This sequence change creates a premature translational stop signal (p.Ser2408*) in the ATM gene. It is expected to result in an absent or disrupted protein product. Loss-of-function variants in ATM are known to be pathogenic (PMID: 23807571, 25614872).

Literature cited by the submitters: PubMed 23807571; PubMed 25614872.

NM_000051.4(ATM):c.7223_7225del (p.Ser2408_Glu2409delinsTer)

Genes: ATM (ATM serine/threonine kinase; plus strand), C11orf65 (chromosome 11 open reading frame 65; minus strand). Cytogenetic location: 11q22.3.
Variant type: Deletion.
Coding change: c.7223_7225del on transcript NM_000051.4 (MANE Select); coding-DNA positions 7223 to 7225, 3 bases deleted (CGG; older notation c.7223_7225delCGG).
Protein change: p.Ser2408_Glu2409delinsTer.
Molecular consequence: nonsense. On other transcripts: intron variant (2).
Genome position (GRCh38, 1-based): chr11:108,329,154-108,329,156, CGG deleted. VCF-style (leftmost placement, unchanged base first): chr11-108329153-TCGG-T. GRCh37 (hg19) VCF-style: chr11-108199880-TCGG-T.
Other names: c.641-20085_641-20083del (NM_001330368.2); c.*38+6064_*38+6066del (NM_001351110.2); c.7223_7225del, p.Ser2408_Glu2409delinsTer (NM_001351834.2).
Identifiers: ClinVar variation 2829670 (VCV002829670.3), dbSNP rs2547249487, ClinGen allele CA2739266038.
Genomic context (GRCh38, chr11:108,329,153, plus strand): 5'-CTCTCATTAGCCCGGTTTTCAGATACTCAATACCAAAGAATTGAAAACTACATGAAATCA[TCGG>T]AATTTGAAAACAAGCAAGCTCTCCTGAAAAGAGCCAAAGAGGAAGTAGGTCTCCTTAGGG-3'